The following is an entry in ClinVar:

NM_000059.4(BRCA2):c.4594G>A (p.Val1532Ile)

Gene: BRCA2 (BRCA2 DNA repair associated; plus strand). Cytogenetic location: 13q13.1.
Variant type: single nucleotide variant.
Coding change: c.4594G>A on transcript NM_000059.4 (MANE Select); coding-DNA position 4594, G replaced by A.
Protein change: p.Val1532Ile; replaces valine 1532 with isoleucine.
Molecular consequence: missense variant. On other transcripts: non-coding transcript variant (1), intron variant (2).
Genome position (GRCh38, 1-based): chr13:32,338,949, G>A. VCF-style: chr13-32338949-G-A. GRCh37 (hg19) VCF-style: chr13-32913086-G-A.
Other names: c.4594G>A, p.Val1532Ile (NM_001406719.1, NM_001406720.1); c.1909+5562G>A (NM_001406721.1); c.425-5609G>A (NM_001406722.1); short protein forms V1532I.
Identifiers: ClinVar variation 2862626 (VCV002862626.3), dbSNP rs80358693, ClinGen allele CA387781946.

ClinVar aggregate classification (germline): Uncertain significance (1 of 4 stars; one submission).

Conditions:
Hereditary breast ovarian cancer syndrome. Also called: Hereditary breast and ovarian cancer syndrome; Hereditary breast and/or ovarian cancer syndrome; BRCA1- and BRCA2-Associated Hereditary Breast and Ovarian Cancer; Hereditary breast and ovarian cancer syndrome (HBOC); Hereditary breast and ovarian cancer; Breast and ovarian cancer. Identifiers: Orphanet 145, MedGen C0677776, MeSH D061325, MONDO:0003582. Disease mechanism: loss of function.

Allele frequency attached by ClinVar (database versions not stated): gnomAD exomes below 0.00001.
gnomAD v4.1: 1 of 1,613,830 alleles (0.000062%); highest among the groups gnomAD compares: Non-Finnish European, 0.000085%; no homozygotes.

Submission:

Labcorp Genetics (formerly Invitae), Labcorp
Classification: Uncertain significance for Hereditary breast ovarian cancer syndrome. Last evaluated: 2023-05-08. Review status: criteria provided, single submitter. Criteria: Invitae Variant Classification Sherloc (09022015). Collection method: clinical testing. Allele origin: germline.
Comment: In summary, the available evidence is currently insufficient to determine the role of this variant in disease. Therefore, it has been classified as a Variant of Uncertain Significance. Experimental studies are conflicting or provide insufficient evidence to determine the effect of this variant on BRCA2 function (PMID: 21601571). Advanced modeling of protein sequence and biophysical properties (such as structural, functional, and spatial information, amino acid conservation, physicochemical variation, residue mobility, and thermodynamic stability) performed at Invitae indicates that this missense variant is not expected to disrupt BRCA2 protein function. This variant has not been reported in the literature in individuals affected with BRCA2-related conditions. This variant is not present in population databases (gnomAD no frequency). This sequence change replaces valine, which is neutral and non-polar, with isoleucine, which is neutral and non-polar, at codon 1532 of the BRCA2 protein (p.Val1532Ile).

Literature cited by the submitters: PubMed 21601571.